The following is an entry in ClinVar:

NM_020134.4(DPYSL5):c.395T>C (p.Val132Ala)

Gene: DPYSL5 (dihydropyrimidinase like 5; plus strand). Cytogenetic location: 2p23.3.
Variant type: single nucleotide variant.
Coding change: c.395T>C on transcript NM_020134.4 (MANE Select); coding-DNA position 395, T replaced by C.
Protein change: p.Val132Ala; replaces valine 132 with alanine.
Molecular consequence: missense variant.
Genome position (GRCh38, 1-based): chr2:26,925,020, T>C. VCF-style: chr2-26925020-T-C. GRCh37 (hg19) VCF-style: chr2-27147888-T-C.
Other names: c.395T>C, p.Val132Ala (NM_001253723.2, NM_001253724.2); short protein forms V132A.
Identifiers: ClinVar variation 2431728 (VCV002431728.1), dbSNP rs746781941, ClinGen allele CA346150229.
Genomic context (GRCh38, chr2:26,925,020, plus strand): 5'-CTTATGAGAAGTGCCGAGGTCTGGCCGACCCCAAGGTCTGCTGTGATTACGCCCTCCACG[T>C]GGGGATCACCTGGTGGGCACCCAAGGTAACAGTGCTGGTGGGATCCCAGAAGAAGGCACA-3'
Protein context (NP_064519.2, residues 122-142): PKVCCDYALH[Val132Ala]GITWWAPKVK

ClinVar aggregate classification (germline): Uncertain significance (1 of 4 stars; one submission).

Conditions:
Ritscher-Schinzel syndrome 4. Identifiers: MedGen C5561939, MONDO:0030331, OMIM 619435.

Submission:

Laboratorio de Genetica e Diagnostico Molecular, Hospital Israelita Albert Einstein
Classification: Uncertain significance for Ritscher-Schinzel syndrome 4. Last evaluated: 2023-02-03. Review status: criteria provided, single submitter. Criteria: ACMG Guidelines, 2015. Collection method: clinical testing. Allele origin: germline. Affected: yes. Observed: 1 variant allele.
Comment: ACMG classification criteria: PM2 moderated